The following is an entry in ClinVar:

NM_001111125.3(IQSEC2):c.1274G>A (p.Arg425Gln)

Gene: IQSEC2 (IQ motif and Sec7 domain ArfGEF 2; minus strand). Cytogenetic location: Xp11.22.
Variant type: single nucleotide variant.
Coding change: c.1274G>A on transcript NM_001111125.3 (MANE Select); coding-DNA position 1274, G replaced by A.
Protein change: p.Arg425Gln; replaces arginine 425 with glutamine.
Molecular consequence: missense variant.
Genome position (GRCh38, 1-based): chrX:53,254,657, C>T on the plus strand (G>A on the coding strand, the complement: IQSEC2 is on the minus strand). VCF-style: chrX-53254657-C-T. GRCh37 (hg19) VCF-style: chrX-53283839-C-T.
Other names: c.659G>A, p.Arg220Gln (NM_015075.2); short protein forms R425Q, R220Q.
Identifiers: ClinVar variation 969105 (VCV000969105.9), dbSNP rs2074439744, ClinGen allele CA413169241.

ClinVar aggregate classification (germline): Conflicting classifications of pathogenicity. Review status: criteria provided, conflicting classifications (1 of 4 stars). 2 submissions from 2 submitters: Uncertain significance (1); Likely benign (1). Last evaluated 2025-10-07.

Conditions:
Intellectual developmental disorder, X-linked 1. Also called: Atkin Flaitz Patil Smith syndrome; MENTAL RETARDATION, X-LINKED 18; MENTAL RETARDATION, X-LINKED 78; Intellectual disability, X-linked 1. Identifiers: Orphanet 777, MedGen C2931498, MONDO:0010656, OMIM 309530.

Allele frequency attached by ClinVar (database versions not stated): gnomAD exomes 0.00002.
gnomAD v4.1: 20 of 1,210,069 alleles (0.0017%); highest among the groups gnomAD compares: Non-Finnish European, 0.0021%; no homozygotes.

Submissions (2):

Labcorp Genetics (formerly Invitae), Labcorp
Classification: Uncertain significance for Intellectual developmental disorder, X-linked 1. Last evaluated: 2025-10-07. Review status: criteria provided, single submitter. Criteria: Invitae Variant Classification Sherloc (09022015). Collection method: clinical testing. Allele origin: germline.
Comment: This sequence change replaces arginine, which is basic and polar, with glutamine, which is neutral and polar, at codon 425 of the IQSEC2 protein (p.Arg425Gln). This variant is not present in population databases (gnomAD no frequency). This variant has not been reported in the literature in individuals affected with IQSEC2-related conditions. ClinVar contains an entry for this variant (Variation ID: 969105). Invitae Evidence Modeling of protein sequence and biophysical properties (such as structural, functional, and spatial information, amino acid conservation, physicochemical variation, residue mobility, and thermodynamic stability) indicates that this missense variant is not expected to disrupt IQSEC2 protein function with a negative predictive value of 95%. In summary, the available evidence is currently insufficient to determine the role of this variant in disease. Therefore, it has been classified as a Variant of Uncertain Significance.

Blueprint Genetics
Classification: Likely benign. Last evaluated: 2020-07-17. Review status: criteria provided, single submitter. Criteria: ACMG Guidelines, 2015. Collection method: clinical testing. Allele origin: germline.